The following is an entry in ClinVar:

ClinVar aggregate classification (germline): Uncertain significance (1 of 4 stars; one submission).

Allele frequency attached by ClinVar (database versions not stated): gnomAD 0.00002; gnomAD exomes 0.00001; TOPMed 0.00001.
gnomAD v4.1: 6 of 1,613,970 alleles (0.00037%); highest among the groups gnomAD compares: African/African-American, 0.0067%; no homozygotes.

Submission:

Labcorp Genetics (formerly Invitae), Labcorp
Classification: Uncertain significance. Last evaluated: 2024-12-04. Review status: criteria provided, single submitter. Criteria: Invitae Variant Classification Sherloc (09022015). Collection method: clinical testing. Allele origin: germline.
Comment: This sequence change replaces serine, which is neutral and polar, with asparagine, which is neutral and polar, at codon 1112 of the NSD1 protein (p.Ser1112Asn). This variant is not present in population databases (gnomAD no frequency). This variant has not been reported in the literature in individuals affected with NSD1-related conditions. ClinVar contains an entry for this variant (Variation ID: 2071255). Invitae Evidence Modeling of protein sequence and biophysical properties (such as structural, functional, and spatial information, amino acid conservation, physicochemical variation, residue mobility, and thermodynamic stability) indicates that this missense variant is not expected to disrupt NSD1 protein function with a negative predictive value of 95%. In summary, the available evidence is currently insufficient to determine the role of this variant in disease. Therefore, it has been classified as a Variant of Uncertain Significance.

NM_022455.5(NSD1):c.3335G>A (p.Ser1112Asn)

Gene: NSD1 (nuclear receptor binding SET domain protein 1; plus strand). Cytogenetic location: 5q35.3.
Variant type: single nucleotide variant.
Coding change: c.3335G>A on transcript NM_022455.5 (MANE Select); coding-DNA position 3335, G replaced by A.
Protein change: p.Ser1112Asn; replaces serine 1112 with asparagine.
Molecular consequence: missense variant.
Genome position (GRCh38, 1-based): chr5:177,211,734, G>A. VCF-style: chr5-177211734-G-A. GRCh37 (hg19) VCF-style: chr5-176638735-G-A.
Other names: c.2462G>A, p.Ser821Asn (NM_001365684.2, NM_001409306.1, NM_001409307.1 and 3 more transcripts); c.3335G>A, p.Ser1112Asn (NM_001409301.1, NM_001409302.1, NM_001409303.1); c.2915G>A, p.Ser972Asn (NM_001409304.1); c.2582G>A, p.Ser861Asn (NM_001409305.1); short protein forms S821N, S843N, S1112N, S972N, S861N.
Identifiers: ClinVar variation 2071255 (VCV002071255.4), dbSNP rs901175981, ClinGen allele CA132831345.